The following is an entry in ClinVar:

ClinVar aggregate classification (germline): Uncertain significance (1 of 4 stars; one submission).

Conditions:
Hereditary cancer-predisposing syndrome. Also called: Tumor predisposition; Neoplastic Syndromes, Hereditary; Hereditary Cancer Syndrome; Hereditary neoplastic syndrome. Identifiers: Orphanet 140162, MedGen C0027672, MeSH D009386, MONDO:0015356.

Submission:

Ambry Genetics
Classification: Uncertain significance for Hereditary cancer-predisposing syndrome. Last evaluated: 2025-01-21. Review status: criteria provided, single submitter. Criteria: Ambry Variant Classification Scheme 2023. Collection method: clinical testing. Allele origin: germline.
Comment: The c.8324_8332delGGACTGTTG variant (also known as p.G2775_V2777del) is located in coding exon 15 of the APC gene. This variant results from an in-frame GGACTGTTG deletion at nucleotide positions 8324 to 8332. This results in the in-frame deletion of 3 amino acids at codons 2775 to 2777. This amino acid region is not well conserved in available vertebrate species. In addition, the in silico prediction for this alteration is inconclusive (Choi Y et al. PLoS ONE. 2012; 7(10):e46688). Based on the available evidence, the clinical significance of this variant remains unclear.

NM_000038.6(APC):c.8324_8332del (p.Gly2775_Val2777del)

Gene: APC (APC regulator of Wnt signaling pathway; plus strand). Cytogenetic location: 5q22.2.
Variant type: Deletion.
Coding change: c.8324_8332del on transcript NM_000038.6 (MANE Select); coding-DNA positions 8324 to 8332, 9 bases deleted (GGACTGTTG; older notation c.8324_8332delGGACTGTTG).
Protein change: p.Gly2775_Val2777del.
Molecular consequence: inframe deletion. On other transcripts: non-coding transcript variant (2).
Genome position (GRCh38, 1-based): chr5:112,843,918-112,843,926, GGACTGTTG deleted; deleting any 9 consecutive bases within chr5:112,843,916-112,843,926 gives the same sequence; the c. name uses the placement nearest the transcript's 3' end. VCF-style (leftmost placement, unchanged base first): chr5-112843915-GTGGGACTGT-G. GRCh37 (hg19) VCF-style: chr5-112179612-GTGGGACTGT-G.
Other names: c.8324_8332del, p.Gly2775_Val2777del (NM_001127510.3, NM_001354895.2, NM_001407450.1); c.8270_8278del, p.Gly2757_Val2759del (NM_001127511.3); c.8378_8386del, p.Gly2793_Val2795del (NM_001354896.2, NM_001407447.1, NM_001407448.1 and 1 more transcripts); c.8354_8362del, p.Gly2785_Val2787del (NM_001354897.2); c.8249_8257del, p.Gly2750_Val2752del (NM_001354898.2); c.8240_8248del, p.Gly2747_Val2749del (NM_001354899.2); c.8201_8209del, p.Gly2734_Val2736del (NM_001354900.2); c.8147_8155del, p.Gly2716_Val2718del (NM_001354901.2, NM_001407453.1); and 11 more.
Identifiers: ClinVar variation 3881916 (VCV003881916.1).
Genomic context (GRCh38, chr5:112,843,915, plus strand): 5'-GTTCTATAGTGGAACGTACCCCATTCAGTTCTAGCAGCTCAAGCAAACACAGTTCACCTA[GTGGGACTGT>G]TGCTGCCAGAGTGACTCCTTTTAATTACAACCCAAGCCCTAGGAAAAGCAGCGCAGATAG-3'